The following is an entry in ClinVar:

NM_001199138.2(NLRC4):c.1651A>G (p.Ile551Val)

Gene: NLRC4 (NLR family CARD domain containing 4; minus strand). Cytogenetic location: 2p22.3.
Variant type: single nucleotide variant.
Coding change: c.1651A>G on transcript NM_001199138.2 (MANE Select); coding-DNA position 1651, A replaced by G.
Protein change: p.Ile551Val; replaces isoleucine 551 with valine.
Molecular consequence: missense variant. On other transcripts: intron variant (1).
Genome position (GRCh38, 1-based): chr2:32,250,213, T>C on the plus strand (A>G on the coding strand, the complement: NLRC4 is on the minus strand). VCF-style: chr2-32250213-T-C. GRCh37 (hg19) VCF-style: chr2-32475282-T-C.
Other names: c.1651A>G, p.Ile551Val (NM_001199139.2, NM_021209.5); c.262+2206A>G (NM_001302504.1); short protein forms I551V.
Identifiers: ClinVar variation 648474 (VCV000648474.5), dbSNP rs781002536, ClinGen allele CA1601949.

ClinVar aggregate classification (germline): Uncertain significance (1 of 4 stars; one submission).

Conditions:
Periodic fever-infantile enterocolitis-autoinflammatory syndrome. Also called: Autoinflammation with infantile enterocolitis. Identifiers: Orphanet 436166, MedGen C4015067, MONDO:0014472, OMIM 616050.
Familial cold autoinflammatory syndrome 4 (FCAS4). Identifiers: Orphanet 47045, Orphanet 576349, MedGen C4015276, MONDO:0014498, OMIM 616115.

gnomAD v4.1: 3 of 1,614,246 alleles (0.00019%); highest among the groups gnomAD compares: Non-Finnish European, 0.00025%; no homozygotes.

Submission:

Labcorp Genetics (formerly Invitae), Labcorp
Classification: Uncertain significance for Periodic fever-infantile enterocolitis-autoinflammatory syndrome; Familial cold autoinflammatory syndrome 4. Last evaluated: 2022-09-23. Review status: criteria provided, single submitter. Criteria: Invitae Variant Classification Sherloc (09022015). Collection method: clinical testing. Allele origin: germline.
Comment: In summary, the available evidence is currently insufficient to determine the role of this variant in disease. Therefore, it has been classified as a Variant of Uncertain Significance. Advanced modeling of protein sequence and biophysical properties (such as structural, functional, and spatial information, amino acid conservation, physicochemical variation, residue mobility, and thermodynamic stability) performed at Invitae indicates that this missense variant is not expected to disrupt NLRC4 protein function. ClinVar contains an entry for this variant (Variation ID: 648474). This variant has not been reported in the literature in individuals affected with NLRC4-related conditions. This variant is present in population databases (rs781002536, gnomAD 0.0009%). This sequence change replaces isoleucine, which is neutral and non-polar, with valine, which is neutral and non-polar, at codon 551 of the NLRC4 protein (p.Ile551Val).